The following is an entry in ClinVar:

ClinVar aggregate classification (germline): Uncertain significance (1 of 4 stars; one submission).

Conditions:
TP63-Related Spectrum Disorders.

Allele frequency attached by ClinVar (database versions not stated): gnomAD 0.00003; gnomAD exomes below 0.00001; ExAC 0.00001; TOPMed 0.00002.
gnomAD v4.1: 5 of 1,613,910 alleles (0.00031%); highest among the groups gnomAD compares: African/African-American, 0.0053%; no homozygotes.

Submission:

Labcorp Genetics (formerly Invitae), Labcorp
Classification: Uncertain significance. Last evaluated: 2021-05-29. Review status: criteria provided, single submitter. Criteria: Invitae Variant Classification Sherloc (09022015). Collection method: clinical testing. Allele origin: germline.
Comment: In summary, the available evidence is currently insufficient to determine the role of this variant in disease. Therefore, it has been classified as a Variant of Uncertain Significance. Algorithms developed to predict the effect of sequence changes on RNA splicing suggest that this variant may create or strengthen a splice site, but this prediction has not been confirmed by published transcriptional studies. Algorithms developed to predict the effect of missense changes on protein structure and function are either unavailable or do not agree on the potential impact of this missense change (SIFT: "Deleterious"; PolyPhen-2: "Benign"; Align-GVGD: "Class C0"). This variant has not been reported in the literature in individuals with TP63-related conditions. This variant is present in population databases (rs267599730, ExAC 0.01%). This sequence change replaces methionine with isoleucine at codon 499 of the TP63 protein (p.Met499Ile). The methionine residue is highly conserved and there is a small physicochemical difference between methionine and isoleucine.

NM_003722.5(TP63):c.1497G>A (p.Met499Ile)

Gene: TP63 (tumor protein p63; plus strand). Cytogenetic location: 3q28.
Variant type: single nucleotide variant.
Coding change: c.1497G>A on transcript NM_003722.5 (MANE Select); coding-DNA position 1497, G replaced by A.
Protein change: p.Met499Ile; replaces methionine 499 with isoleucine.
Molecular consequence: missense variant.
Genome position (GRCh38, 1-based): chr3:189,886,541, G>A. VCF-style: chr3-189886541-G-A. GRCh37 (hg19) VCF-style: chr3-189604330-G-A.
Other names: c.1497G>A, p.Met499Ile (NM_001114978.2, NM_001329144.2); c.1215G>A, p.Met405Ile (NM_001114980.2, NM_001114981.2, NM_001329145.2); c.960G>A, p.Met320Ile (NM_001329146.2); c.1485G>A, p.Met495Ile (NM_001329148.2); c.1203G>A, p.Met401Ile (NM_001329149.2); c.948G>A, p.Met316Ile (NM_001329150.2); c.1491G>A, p.Met497Ile (NM_001329964.2); short protein forms M495I, M320I, M497I, M316I, M499I, M401I, M405I.
Identifiers: ClinVar variation 1346037 (VCV001346037.7), dbSNP rs267599730, ClinGen allele CA2752495.